The following is an entry in ClinVar:

NM_198253.3(TERT):c.2015G>A (p.Arg672His)

Gene: TERT (telomerase reverse transcriptase; minus strand). Cytogenetic location: 5p15.33.
Variant type: single nucleotide variant.
Coding change: c.2015G>A on transcript NM_198253.3 (MANE Select); coding-DNA position 2015, G replaced by A.
Protein change: p.Arg672His; replaces arginine 672 with histidine.
Molecular consequence: missense variant. On other transcripts: non-coding transcript variant (2).
Genome position (GRCh38, 1-based): chr5:1,279,406, C>T on the plus strand (G>A on the coding strand, the complement: TERT is on the minus strand). VCF-style: chr5-1279406-C-T. GRCh37 (hg19) VCF-style: chr5-1279521-C-T.
Other names: c.2015G>A, p.Arg672His (NM_001193376.3); short protein forms R672H.
Identifiers: ClinVar variation 839241 (VCV000839241.13), dbSNP rs1353891039, ClinGen allele CA359080378.

ClinVar aggregate classification (germline): Conflicting classifications of pathogenicity. Review status: criteria provided, conflicting classifications (1 of 4 stars). 4 submissions from 4 submitters: Uncertain significance (2); Likely benign (2). Last evaluated 2025-01-31.

Conditions:
Dyskeratosis congenita. Identifiers: Orphanet 1775, MedGen C0265965, MONDO:0015780.
Dyskeratosis congenita, autosomal dominant 2. Identifiers: MedGen C3151443, MONDO:0013521, OMIM 613989.
Idiopathic Pulmonary Fibrosis. Also called: Idiopathic fibrosing alveolitis, chronic form; idiopathic fibrosing alveolitis. Identifiers: Orphanet 2032, MedGen C1800706, MeSH D054990, MONDO:0800504.

Allele frequency attached by ClinVar (database versions not stated): TOPMed below 0.00001; gnomAD 0.00001; gnomAD exomes 0.00001.

Submissions (4):

Ambry Genetics
Classification: Uncertain significance for Dyskeratosis congenita. Last evaluated: 2025-01-31. Review status: criteria provided, single submitter. Criteria: Ambry Variant Classification Scheme 2023. Collection method: clinical testing. Allele origin: germline.
Comment: The p.R672H variant (also known as c.2015G>A), located in coding exon 5 of the TERT gene, results from a G to A substitution at nucleotide position 2015. The arginine at codon 672 is replaced by histidine, an amino acid with highly similar properties. This amino acid position is conserved. In addition, this alteration is predicted to be tolerated by in silico analysis. Based on the available evidence, the clinical significance of this variant remains unclear.

Labcorp Genetics (formerly Invitae), Labcorp
Classification: Likely benign for Dyskeratosis congenita, autosomal dominant 2; Idiopathic Pulmonary Fibrosis. Last evaluated: 2024-12-04. Review status: criteria provided, single submitter. Criteria: Invitae Variant Classification Sherloc (09022015). Collection method: clinical testing. Allele origin: germline.

Baylor Genetics
Classification: Uncertain significance for Dyskeratosis congenita, autosomal dominant 2. Last evaluated: 2023-08-31. Review status: criteria provided, single submitter. Criteria: ACMG Guidelines, 2015. Collection method: clinical testing. Allele origin: unknown.

Blueprint Genetics
Classification: Likely benign. Last evaluated: 2023-01-05. Review status: criteria provided, single submitter. Criteria: ACMG Guidelines, 2015. Collection method: clinical testing. Allele origin: germline.